The following is an entry in ClinVar:

NM_000186.4(CFH):c.828C>G (p.Asp276Glu)

Gene: CFH (complement factor H; plus strand). Cytogenetic location: 1q31.3.
Variant type: single nucleotide variant.
Coding change: c.828C>G on transcript NM_000186.4 (MANE Select); coding-DNA position 828, C replaced by G.
Protein change: p.Asp276Glu; replaces aspartic acid 276 with glutamic acid.
Molecular consequence: missense variant.
Genome position (GRCh38, 1-based): chr1:196,685,101, C>G. VCF-style: chr1-196685101-C-G. GRCh37 (hg19) VCF-style: chr1-196654231-C-G.
Other names: c.828C>G, p.Asp276Glu (NM_001014975.3); short protein forms D276E.
Identifiers: ClinVar variation 3006122 (VCV003006122.4), dbSNP rs1407449411, ClinGen allele CA343978618.

ClinVar aggregate classification (germline): Uncertain significance. Review status: criteria provided, multiple submitters, no conflicts (2 of 4 stars). 2 submissions from 2 submitters: Uncertain significance (2). Last evaluated 2026-03-17.

Conditions:
Inborn genetic diseases. Identifiers: MedGen C0950123, MeSH D030342.

Allele frequency attached by ClinVar (database versions not stated): gnomAD exomes below 0.00001.
gnomAD v4.1: 2 of 1,611,512 alleles (0.00012%); highest among the groups gnomAD compares: Admixed American, 0.0033%; no homozygotes.

Submissions (2):

Ambry Genetics
Classification: Uncertain significance for Inborn genetic diseases. Last evaluated: 2026-03-17. Review status: criteria provided, single submitter. Criteria: Ambry Variant Classification Scheme 2023. Collection method: clinical testing. Allele origin: germline.
Comment: The c.828C>G (p.D276E) alteration is located in exon 7 (coding exon 7) of the CFH gene. This alteration results from a C to G substitution at nucleotide position 828, causing the aspartic acid (D) at amino acid position 276 to be replaced by a glutamic acid (E). Based on data from gnomAD, the G allele has an overall frequency of <0.001% (1/250732) total alleles studied. The highest observed frequency was 0.003% (1/34468) of Latino alleles. Based on insufficient or conflicting evidence, the clinical significance of this alteration remains unclear.

Labcorp Genetics (formerly Invitae), Labcorp
Classification: Uncertain significance. Last evaluated: 2025-12-26. Review status: criteria provided, single submitter. Criteria: Invitae Variant Classification Sherloc (09022015). Collection method: clinical testing. Allele origin: germline.
Comment: This sequence change replaces aspartic acid, which is acidic and polar, with glutamic acid, which is acidic and polar, at codon 276 of the CFH protein (p.Asp276Glu). This variant is present in population databases (no rsID available, gnomAD 0.003%). This variant has not been reported in the literature in individuals affected with CFH-related conditions. ClinVar contains an entry for this variant (Variation ID: 3006122). An algorithm developed to predict the effect of missense changes on protein structure and function (PolyPhen-2) suggests that this variant is likely to be tolerated. In summary, the available evidence is currently insufficient to determine the role of this variant in disease. Therefore, it has been classified as a Variant of Uncertain Significance.